The following is an entry in ClinVar:

ClinVar aggregate classification (germline): Pathogenic. Review status: criteria provided, single submitter (1 of 4 stars). 3 submissions from 3 submitters: Pathogenic (1). 2 of the submissions do not count toward it. Last evaluated 2022-07-15.

Conditions:
Intellectual disability-microcephaly-strabismus-behavioral abnormalities syndrome. Also called: White-Sutton Syndrome. Identifiers: Orphanet 468678, MedGen C4225351, MONDO:0014606, OMIM 616364.

Submissions (3):

GeneDx
Classification: Pathogenic. Last evaluated: 2022-07-15. Review status: criteria provided, single submitter. Criteria: GeneDx Variant Classification Process June 2021. Collection method: clinical testing. Allele origin: germline. Affected: yes.
Comment: Nonsense variant predicted to result in protein truncation or nonsense mediated decay in a gene for which loss of function is a known mechanism of disease; Not observed at significant frequency in large population cohorts (gnomAD); This variant is associated with the following publications: (PMID: 25533962, 31782611, 26739615, 31136090)

OMIM
Classification: Pathogenic for WHITE-SUTTON SYNDROME. Last evaluated: 2016-01-06. Review status: no assertion criteria provided. Collection method: literature only. Allele origin: germline. Not counted in ClinVar's aggregate classification.

Lupski Lab, Baylor-Hopkins CMG, Baylor College of Medicine
Classification: Pathogenic for Intellectual disability-microcephaly-strabismus-behavioral abnormalities syndrome. Last evaluated: 2015-11-10. Review status: no assertion criteria provided. Collection method: clinical testing. Allele origin: de novo. Inheritance: Autosomal dominant inheritance. Affected: yes. Not counted in ClinVar's aggregate classification.

Literature cited by the submitters: PubMed 26739615 (cited by OMIM and Lupski Lab, Baylor-Hopkins CMG, Baylor College of Medicine); PubMed 25533962 (cited by Lupski Lab, Baylor-Hopkins CMG, Baylor College of Medicine).

NM_015100.4(POGZ):c.833C>G (p.Ser278Ter)

Gene: POGZ (pogo transposable element derived with ZNF domain; minus strand). Cytogenetic location: 1q21.3.
Variant type: single nucleotide variant.
Coding change: c.833C>G on transcript NM_015100.4 (MANE Select); coding-DNA position 833, C replaced by G.
Protein change: p.Ser278Ter; replaces serine 278 with a stop codon.
Molecular consequence: nonsense.
Genome position (GRCh38, 1-based): chr1:151,428,149, G>C on the plus strand (C>G on the coding strand, the complement: POGZ is on the minus strand). VCF-style: chr1-151428149-G-C. GRCh37 (hg19) VCF-style: chr1-151400625-G-C.
Other names: c.833C>G, p.Ser278Ter (NM_001194937.2); c.674C>G, p.Ser225Ter (NM_001194938.2, NM_207171.2); c.548C>G, p.Ser183Ter (NM_145796.4); short protein forms S278*, S183*, S225*.
Identifiers: ClinVar variation 218148 (VCV000218148.3), dbSNP rs864321673, ClinGen allele CA347940.
Genomic context (GRCh38, chr1:151,428,149, plus strand): 5'-CCTGGCTCTGCCATCTCCTCTTCCGAAGCCTTACCTAGCTTGGGATTCGTGGTCTGGTTT[G>C]ACTGGCCTGGAGACTGAACAGCTAGTTGCCCCAGTGAGGTTGGCTGTGTGGCAGTGGGAG-3'